The following is an entry in ClinVar:

ClinVar aggregate classification (germline): Uncertain significance (1 of 4 stars; one submission).

Submission:

Labcorp Genetics (formerly Invitae), Labcorp
Classification: Uncertain significance. Last evaluated: 2022-09-07. Review status: criteria provided, single submitter. Criteria: Invitae Variant Classification Sherloc (09022015). Collection method: clinical testing. Allele origin: germline.
Comment: This variant has not been reported in the literature in individuals affected with APC2-related conditions. This sequence change replaces alanine, which is neutral and non-polar, with valine, which is neutral and non-polar, at codon 1423 of the APC2 protein (p.Ala1423Val). The frequency data for this variant in the population databases is considered unreliable, as metrics indicate poor data quality at this position in the gnomAD database. Algorithms developed to predict the effect of missense changes on protein structure and function output the following: SIFT: "Tolerated"; PolyPhen-2: "Benign"; Align-GVGD: "Class C0". The valine amino acid residue is found in multiple mammalian species, which suggests that this missense change does not adversely affect protein function. In summary, the available evidence is currently insufficient to determine the role of this variant in disease. Therefore, it has been classified as a Variant of Uncertain Significance.

NM_005883.3(APC2):c.4268C>T (p.Ala1423Val)

Gene: APC2 (APC regulator of Wnt signaling pathway 2; plus strand). Cytogenetic location: 19p13.3.
Variant type: single nucleotide variant.
Coding change: c.4268C>T on transcript NM_005883.3 (MANE Select); coding-DNA position 4268, C replaced by T.
Protein change: p.Ala1423Val; replaces alanine 1423 with valine.
Molecular consequence: missense variant.
Genome position (GRCh38, 1-based): chr19:1,467,569, C>T. VCF-style: chr19-1467569-C-T. GRCh37 (hg19) VCF-style: chr19-1467568-C-T.
Other names: c.4265C>T, p.Ala1422Val (NM_001351273.1); short protein forms A1422V, A1423V.
Identifiers: ClinVar variation 2121539 (VCV002121539.4), dbSNP rs565588972, ClinGen allele CA304078297.